The following is an entry in ClinVar:

ClinVar aggregate classification (germline): Uncertain significance (1 of 4 stars; one submission).

Conditions:
Ataxia, intention tremor, and hypotonia syndrome, childhood-onset. Identifiers: MedGen C5543478, MONDO:0859158, OMIM 619352.

Submission:

3billion
Classification: Uncertain significance for Ataxia, intention tremor, and hypotonia syndrome, childhood-onset. Last evaluated: 2025-02-12. Review status: criteria provided, single submitter. Criteria: ACMG Guidelines, 2015. Collection method: clinical testing. Allele origin: germline. Affected: yes.
Comment: The variant is not observed in the gnomAD v4.1.0 dataset. Predicted Consequence/Location: Missense variant. The majority of the known disease-causing variants of this gene are variants expected to result in premature termination of the protein. In silico tool predictions suggest damaging effect of the variant on gene or gene product [REVEL: 0.43 (>=0.6, sensitivity 0.68 and specificity 0.92); 3Cnet: 0.88 (>=0.6, sensitivity 0.72 and precision 0.9)]. Therefore, this variant is classified as VUS according to the recommendation of ACMG/AMP guideline.

NM_006237.4(POU4F1):c.1064A>G (p.Lys355Arg)

Genes: OBI1-AS1 (OBI1 antisense RNA 1; plus strand), POU4F1 (POU class 4 homeobox 1; minus strand). Cytogenetic location: 13q31.1.
Variant type: single nucleotide variant.
Coding change: c.1064A>G on transcript NM_006237.4 (MANE Select); coding-DNA position 1064, A replaced by G.
Protein change: p.Lys355Arg; replaces lysine 355 with arginine.
Molecular consequence: missense variant.
Genome position (GRCh38, 1-based): chr13:78,601,611, T>C on the plus strand (A>G on the coding strand, the complement: POU4F1 is on the minus strand). VCF-style: chr13-78601611-T-C. GRCh37 (hg19) VCF-style: chr13-79175746-T-C.
Other names: short protein forms K355R.
Identifiers: ClinVar variation 4291718 (VCV004291718.1).
Genomic context (GRCh38, chr13:78,601,611, plus strand): 5'-GCGAAGTAGGCCTCGAGGGAGCGCTTCTCGGGCGCGGCGATGGAAGTCCGCTTGCGCTTC[T>C]TCTCGCCGCCGTTGAAGAGCTCAGGCTTGTTCATTTTCTCGCGCTGGGCGCCCTCGGCCT-3'
Protein context (NP_006228.3, residues 345-365): NKPELFNGGE[Lys355Arg]KRKRTSIAAP